The following is an entry in ClinVar:

NM_198576.4(AGRN):c.3388+107A>G

Gene: AGRN (agrin; plus strand). Cytogenetic location: 1p36.33.
Variant type: single nucleotide variant.
Coding change: c.3388+107A>G on transcript NM_198576.4 (MANE Select); 107 bases into the intron after coding-DNA position 3388, A replaced by G.
Molecular consequence: intron variant.
Genome position (GRCh38, 1-based): chr1:1,047,064, A>G. VCF-style: chr1-1047064-A-G. GRCh37 (hg19) VCF-style: chr1-982444-A-G.
Other names: c.3388+107A>G (NM_001305275.2); c.3073+107A>G (NM_001364727.2).
Identifiers: ClinVar variation 677950 (VCV000677950.1), dbSNP rs3128099, ClinGen allele CA10829579.

ClinVar aggregate classification (germline): Benign (1 of 4 stars; one submission).

Allele frequency attached by ClinVar (database versions not stated): TOPMed 0.79920; gnomAD 0.80625 and 0.81539; 1000 Genomes Project 30x 0.81355; 1000 Genomes Project 0.82188; gnomAD exomes 0.91390.
gnomAD v4.1: 1,367,254 of 1,513,232 alleles (90%); highest among the groups gnomAD compares: East Asian, 97%; 623,298 homozygotes.

Submission:

GeneDx
Classification: Benign. Last evaluated: 2018-06-16. Review status: criteria provided, single submitter. Criteria: GeneDx Variant Classification (06012015). Collection method: clinical testing. Allele origin: germline. Affected: yes.
Comment: This variant is considered likely benign or benign based on one or more of the following criteria: it is a conservative change, it occurs at a poorly conserved position in the protein, it is predicted to be benign by multiple in silico algorithms, and/or has population frequency not consistent with disease.